The following is an entry in ClinVar:

ClinVar aggregate classification (germline): Pathogenic (1 of 4 stars; one submission).

Conditions:
Hydrocephalus, nonsyndromic, autosomal recessive 1 (HYC1). Also called: Hydrocephalus, nonsyndromic, autosomal recessive; Congenital hydrocephalus 1. Identifiers: Orphanet 2185, MedGen C3887608, MONDO:0009360, OMIM 236600.

Submission:

Myriad Genetics, Inc.
Classification: Pathogenic for Hydrocephalus, nonsyndromic, autosomal recessive 1. Last evaluated: 2025-09-16. Review status: criteria provided, single submitter. Criteria: Myriad Autosomal Dominant, Autosomal Recessive and X-Linked Classification Criteria (2023). Collection method: clinical testing. Allele origin: unknown.
Comment: NM_001080414.3(CCDC88C):c.1441_1442ins5(G481Vfs*56) is expected to be pathogenic in the context of congenital hydrocephalus, CCDC88C-related. This variant is predicted to lead to an abnormal or absent protein product due to the creation of a premature termination codon in CCDC88C, a gene where loss-of-function variants are known to be pathogenic. Please note: this variant was assessed in the context of healthy population screening.

NM_001080414.4(CCDC88C):c.1441_1442insTCAGG (p.Gly481fs)

Gene: CCDC88C (coiled-coil and HOOK domain protein 88C; minus strand). Cytogenetic location: 14q32.11.
Variant type: Insertion.
Coding change: c.1441_1442insTCAGG on transcript NM_001080414.4 (MANE Select); coding-DNA positions 1441 to 1442, TCAGG inserted.
Protein change: p.Gly481fs; shifts the reading frame from glycine 481.
Molecular consequence: frameshift variant. On other transcripts: non-coding transcript variant (2).
Genome position: GRCh38 VCF-style: chr14-91321205-C-CCCTGA. GRCh37 (hg19) VCF-style: chr14-91787549-C-CCCTGA.
Other names: short protein forms G481fs.
Identifiers: ClinVar variation 5014986 (VCV005014986.1).